The following is an entry in ClinVar:

ClinVar aggregate classification (germline): Benign/Likely benign. Review status: criteria provided, multiple submitters, no conflicts (2 of 4 stars). 5 submissions from 5 submitters: Benign (2); Likely benign (3). Last evaluated 2025-06-02.

Conditions:
Hereditary cancer-predisposing syndrome. Also called: Neoplastic Syndromes, Hereditary; Hereditary neoplastic syndrome; Tumor predisposition; Hereditary Cancer Syndrome. Identifiers: Orphanet 140162, MedGen C0027672, MeSH D009386, MONDO:0015356.
Tuberous sclerosis 2 (TSC2). Identifiers: Orphanet 805, MedGen C1860707, MONDO:0013199, OMIM 613254.

Allele frequency attached by ClinVar (database versions not stated): gnomAD exomes below 0.00001; ExAC 0.00001.
gnomAD v4.1: 1 of 1,611,510 alleles (0.000062%); highest among the groups gnomAD compares: East Asian, 0.0022%; no homozygotes.

Submissions (5):

Myriad Genetics, Inc.
Classification: Benign for Tuberous sclerosis 2. Last evaluated: 2025-06-02. Review status: criteria provided, single submitter. Criteria: Myriad Autosomal Dominant, Autosomal Recessive and X-Linked Classification Criteria (2023). Collection method: clinical testing. Allele origin: unknown.
Comment: This variant is considered benign. This variant is a silent/synonymous amino acid change and it is not expected to impact splicing.

Labcorp Genetics (formerly Invitae), Labcorp
Classification: Likely benign for Tuberous sclerosis 2. Last evaluated: 2025-05-22. Review status: criteria provided, single submitter. Criteria: Invitae Variant Classification Sherloc (09022015). Collection method: clinical testing. Allele origin: germline.

Ambry Genetics
Classification: Likely benign for Hereditary cancer-predisposing syndrome. Last evaluated: 2022-03-17. Review status: criteria provided, single submitter. Criteria: Ambry Variant Classification Scheme 2023. Collection method: clinical testing. Allele origin: germline.

Genome-Nilou Lab
Classification: Benign for Tuberous sclerosis 2. Last evaluated: 2021-11-07. Review status: criteria provided, single submitter. Criteria: ACMG Guidelines, 2015. Collection method: clinical testing. Allele origin: germline. Affected: no.

GeneDx
Classification: Likely benign. Last evaluated: 2016-05-16. Review status: criteria provided, single submitter. Criteria: GeneDx Variant Classification (06012015). Collection method: clinical testing. Allele origin: germline. Affected: yes.
Comment: This variant is considered likely benign or benign based on one or more of the following criteria: it is a conservative change, it occurs at a poorly conserved position in the protein, it is predicted to be benign by multiple in silico algorithms, and/or has population frequency not consistent with disease.

NM_000548.5(TSC2):c.4056G>C (p.Leu1352=)

Gene: TSC2 (TSC complex subunit 2; plus strand). Cytogenetic location: 16p13.3.
Variant type: single nucleotide variant.
Coding change: c.4056G>C on transcript NM_000548.5 (MANE Select); coding-DNA position 4056, G replaced by C.
Protein change: p.Leu1352=; no amino-acid change (leucine 1352 retained).
Molecular consequence: synonymous variant.
Genome position (GRCh38, 1-based): chr16:2,084,278, G>C. VCF-style: chr16-2084278-G-C. GRCh37 (hg19) VCF-style: chr16-2134279-G-C.
Other names: c.3855G>C, p.Leu1285= (NM_001077183.3); c.3987G>C, p.Leu1329= (NM_001114382.3); c.3747G>C, p.Leu1249= (NM_001318827.2); c.3711G>C, p.Leu1237= (NM_001318829.2); c.3324G>C, p.Leu1108= (NM_001318831.2); c.3888G>C, p.Leu1296= (NM_001318832.2); c.3858G>C, p.Leu1286= (NM_001363528.2); c.3924G>C, p.Leu1308= (NM_001370404.1); and 1 more.
Identifiers: ClinVar variation 386117 (VCV000386117.17), dbSNP rs772309833, ClinGen allele CA050309.